The following is an entry in ClinVar:

ClinVar aggregate classification (germline): Uncertain significance. Review status: criteria provided, multiple submitters, no conflicts (2 of 4 stars). 6 submissions from 6 submitters: Uncertain significance (6). Last evaluated 2026-01-13.

Conditions:
Hereditary cancer. Identifiers: MedGen C1333600.
Rhabdoid tumor predisposition syndrome 2 (RTPS2). Identifiers: Orphanet 231108, Orphanet 69077, MedGen C2750074, MONDO:0013224, OMIM 613325.
Intellectual disability, autosomal dominant 16 (CSS4). Also called: COFFIN-SIRIS SYNDROME 4. Identifiers: Orphanet 1465, MedGen C3553249, MONDO:0013821, OMIM 614609.
Otosclerosis 12. Identifiers: MedGen C5935610, MONDO:0968980, OMIM 620792.
Hereditary cancer-predisposing syndrome. Also called: Hereditary Cancer Syndrome; Tumor predisposition; Hereditary neoplastic syndrome; Neoplastic Syndromes, Hereditary. Identifiers: Orphanet 140162, MedGen C0027672, MeSH D009386, MONDO:0015356.

Allele frequency attached by ClinVar (database versions not stated): gnomAD exomes below 0.00001 and 0.00001; ExAC 0.00001.
gnomAD v4.1: 2 of 1,614,278 alleles (0.00012%); highest among the groups gnomAD compares: Admixed American, 0.0033%; no homozygotes.

Submissions (6):

Labcorp Genetics (formerly Invitae), Labcorp
Classification: Uncertain significance for Rhabdoid tumor predisposition syndrome 2. Last evaluated: 2026-01-13. Review status: criteria provided, single submitter. Criteria: Invitae Variant Classification Sherloc (09022015). Collection method: clinical testing. Allele origin: germline.
Comment: This sequence change replaces glycine, which is neutral and non-polar, with glutamic acid, which is acidic and polar, at codon 594 of the SMARCA4 protein (p.Gly594Glu). This variant is present in population databases (rs750891894, gnomAD 0.006%). This variant has not been reported in the literature in individuals affected with SMARCA4-related conditions. ClinVar contains an entry for this variant (Variation ID: 645395). Invitae Evidence Modeling of protein sequence and biophysical properties (such as structural, functional, and spatial information, amino acid conservation, physicochemical variation, residue mobility, and thermodynamic stability) has been performed for this missense variant. However, the output from this modeling did not meet the statistical confidence thresholds required to predict the impact of this variant on SMARCA4 protein function. In summary, the available evidence is currently insufficient to determine the role of this variant in disease. Therefore, it has been classified as a Variant of Uncertain Significance.

Quest Diagnostics Nichols Institute San Juan Capistrano
Classification: Uncertain significance. Last evaluated: 2024-10-22. Review status: criteria provided, single submitter. Criteria: Quest Diagnostics criteria. Collection method: clinical testing. Allele origin: unknown.
Comment: The SMARCA4 c.1781G>A (p.Gly594Glu) variant has not been reported in individuals with SMARCA4-related conditions in the published literature. The frequency of this variant in the general population, 0.000008 (2/251494 chromosomes (Genome Aggregation Database)), is uninformative in the assessment of its pathogenicity. Analysis of this variant using bioinformatics tools for the prediction of the effect of amino acid changes on protein structure and function yielded predictions that this variant is damaging. Based on the available information, we are unable to determine the clinical significance of this variant.

Fulgent Genetics
Classification: Uncertain significance for Rhabdoid tumor predisposition syndrome 2; Intellectual disability, autosomal dominant 16; Otosclerosis 12. Last evaluated: 2024-03-07. Review status: criteria provided, single submitter. Criteria: ACMG Guidelines, 2015. Collection method: clinical testing. Allele origin: germline.

Ambry Genetics
Classification: Uncertain significance for Hereditary cancer-predisposing syndrome. Last evaluated: 2024-01-26. Review status: criteria provided, single submitter. Criteria: Ambry Variant Classification Scheme 2023. Collection method: clinical testing. Allele origin: germline.
Comment: The p.G594E variant (also known as c.1781G>A), located in coding exon 10 of the SMARCA4 gene, results from a G to A substitution at nucleotide position 1781. The glycine at codon 594 is replaced by glutamic acid, an amino acid with similar properties. This amino acid position is highly conserved in available vertebrate species. In addition, this alteration is predicted to be deleterious by in silico analysis. Since supporting evidence is limited at this time, the clinical significance of this alteration remains unclear.

Mendelics
Classification: Uncertain significance for Hereditary cancer. Last evaluated: 2024-01-23. Review status: criteria provided, single submitter. Criteria: ACMG Guidelines, 2015. Collection method: clinical testing. Allele origin: unknown.

Genome-Nilou Lab
Classification: Uncertain significance for Intellectual disability, autosomal dominant 16. Last evaluated: 2021-07-15. Review status: criteria provided, single submitter. Criteria: ACMG Guidelines, 2015. Collection method: clinical testing. Allele origin: germline. Affected: no.

NM_003072.5(SMARCA4):c.1781G>A (p.Gly594Glu)

Gene: SMARCA4 (SWI/SNF related BAF chromatin remodeling complex subunit ATPase 4; plus strand). Cytogenetic location: 19p13.2.
Variant type: single nucleotide variant.
Coding change: c.1781G>A on transcript NM_003072.5 (MANE Select); coding-DNA position 1781, G replaced by A.
Protein change: p.Gly594Glu; replaces glycine 594 with glutamic acid.
Molecular consequence: missense variant. On other transcripts: non-coding transcript variant (1).
Genome position (GRCh38, 1-based): chr19:10,996,513, G>A. VCF-style: chr19-10996513-G-A. GRCh37 (hg19) VCF-style: chr19-11107189-G-A.
Other names: c.1781G>A, p.Gly594Glu (NM_001128844.3, NM_001128845.2, NM_001128846.2 and 5 more transcripts); c.1781G>A (NM_001128849.2); short protein forms G594E.
Identifiers: ClinVar variation 645395 (VCV000645395.18), dbSNP rs750891894, ClinGen allele CA9203892.
Genomic context (GRCh38, chr19:10,996,513, plus strand): 5'-CTTGTGGGTCAGGGCCTGACCGTGTCTCTCTCTATTTCCAGAAGGCAGAAAATGCAGAAG[G>A]ACAGACGCCTGCCATTGGGCCGGATGGCGAGGTGAGGAAGCAGGGTTTCTTGTGGAAGTA-3'
Protein context (NP_003063.2, residues 584-604): KKKKKAENAE[Gly594Glu]QTPAIGPDGE